The following is an entry in ClinVar:

ClinVar aggregate classification (germline): Likely benign. Review status: criteria provided, single submitter (1 of 4 stars). 2 submissions from 2 submitters: Likely benign (1). 1 of the submissions does not count toward it. Last evaluated 2021-09-17.

Conditions:
Inborn genetic diseases. Identifiers: MedGen C0950123, MeSH D030342.
BCAP31-related disorder. Also called: BCAP31-related condition.

Allele frequency attached by ClinVar (database versions not stated): ExAC 0.00030.
gnomAD v4.1: 762 of 1,165,260 alleles (0.065%); highest among the groups gnomAD compares: Admixed American, 0.072%; no homozygotes.

Submissions (2):

Ambry Genetics
Classification: Likely benign for Inborn genetic diseases. Last evaluated: 2021-09-17. Review status: criteria provided, single submitter. Criteria: Ambry Variant Classification Scheme 2023. Collection method: clinical testing. Allele origin: germline.

PreventionGenetics, part of Exact Sciences
Classification: Likely benign for BCAP31-related condition. Last evaluated: 2023-01-10. Review status: no assertion criteria provided. Collection method: clinical testing. Allele origin: germline. Not counted in ClinVar's aggregate classification.
Comment: This variant is classified as likely benign based on ACMG/AMP sequence variant interpretation guidelines (Richards et al. 2015 PMID: 25741868, with internal and published modifications).

NM_001256447.2(BCAP31):c.-44-238C>T

Gene: BCAP31 (B cell receptor associated protein 31; minus strand). Cytogenetic location: Xq28.
Variant type: single nucleotide variant.
Coding change: c.-44-238C>T on transcript NM_001256447.2 (MANE Select); 238 bases into the intron before 44 bases upstream of the start codon, C replaced by T.
Molecular consequence: intron variant. On other transcripts: missense variant (1).
Genome position (GRCh38, 1-based): chrX:153,723,526, G>A on the plus strand (C>T on the coding strand, the complement: BCAP31 is on the minus strand). VCF-style: chrX-153723526-G-A. GRCh37 (hg19) VCF-style: chrX-152988981-G-A.
Other names: c.139C>T, p.His47Tyr (NM_001139457.2); c.-44-238C>T (NM_005745.8, NM_001139441.1); short protein forms H47Y.
Identifiers: ClinVar variation 2350910 (VCV002350910.4), dbSNP rs782638238, ClinGen allele CA10549874.
Genomic context (GRCh38, chrX:153,723,526, plus strand): 5'-GCGTTCACAGGCCCCACAAACTTCCGTTCGCTGGTCAATTACCTGCCCCCTCCAGCACGT[G>A]TGTCAACACGTCCAGAGCGGCCTCTCCCGACGATCCCTGCCCCAGGAAGCCCGAGATTTC-3'